The following is an entry in ClinVar:

NM_000521.4(HEXB):c.133dup (p.Ala45fs)

Gene: HEXB (hexosaminidase subunit beta; plus strand). Cytogenetic location: 5q13.3.
Variant type: Duplication.
Coding change: c.133dup on transcript NM_000521.4 (MANE Select); coding-DNA position 133, one base duplicated (G; older notation c.133dupG).
Protein change: p.Ala45fs; shifts the reading frame from alanine 45.
Molecular consequence: frameshift variant. On other transcripts: intron variant (1).
Genome position (GRCh38, 1-based): chr5:74,685,393, G duplicated; the last of 3 consecutive G bases (chr5:74,685,391-74,685,393); duplicating any one gives the same sequence. VCF-style (leftmost placement, unchanged base first): chr5-74685390-C-CG. GRCh37 (hg19) VCF-style: chr5-73981215-C-CG.
Other names: c.-376-3935dup (NM_001292004.2); short protein forms A45fs.
Identifiers: ClinVar variation 5012014 (VCV005012014.1).

ClinVar aggregate classification (germline): Pathogenic (1 of 4 stars; one submission).

Conditions:
Sandhoff disease. Also called: GM2-GANGLIOSIDOSIS, TYPE II; HEXOSAMINIDASES A AND B DEFICIENCY; Beta-hexosaminidase-beta-subunit deficiency; GM2 gangliosidosis, type 2; Total hexosaminidase deficiency; Sandhoff-Jatzkewitz-Pilz disease. Identifiers: Orphanet 796, MedGen C0036161, MONDO:0010006, OMIM 268800.

Submission:

Myriad Genetics, Inc.
Classification: Pathogenic for Sandhoff disease. Last evaluated: 2023-09-27. Review status: criteria provided, single submitter. Criteria: Myriad Autosomal Dominant, Autosomal Recessive and X-Linked Classification Criteria (2023). Collection method: clinical testing. Allele origin: unknown.
Comment: NM_000521.3(HEXB):c.133dupG(A45Gfs*70) is expected to be pathogenic in the context of Sandhoff disease. This variant is predicted to lead to an abnormal or absent protein product due to the creation of a premature termination codon in HEXB, a gene where loss-of-function variants are known to be pathogenic. Please note: this variant was assessed in the context of healthy population screening.